The following is an entry in ClinVar:

ClinVar aggregate classification (germline): Pathogenic. Review status: criteria provided, multiple submitters, no conflicts (2 of 4 stars). 3 submissions from 3 submitters: Pathogenic (3). Last evaluated 2024-06-07.

Conditions:
Mucopolysaccharidosis, MPS-II (MPS2). Also called: Hunter Syndrome; Mucopolysaccharidosis with skin involvement; Mucopolysaccharidosis type 2; IDURONATE 2-SULFATASE DEFICIENCY; Mucopolysaccharidosis Type II; IDS deficiency. Identifiers: Orphanet 580, Orphanet 79388, MedGen C0026705, MONDO:0010674, OMIM 309900.

Submissions (3):

Laboratory of Diagnosis and Therapy of Lysosomal Disorders, University of Padova
Classification: Pathogenic for Mucopolysaccharidosis, MPS-II. Last evaluated: 2024-06-07. Review status: criteria provided, single submitter. Criteria: ACMG Guidelines, 2015. Collection method: literature only. Allele origin: germline. Affected: yes. Observed: 2 variant alleles.
Comment: Null variant (PVS1_VeryStrong), Absent from controls (or at low frequency) in gnomAD database (PM2_Moderate), Patient’s phenotype or family history highly specific for the disease (PP4_Moderate)

Classification method: ACMG Guidelines [PMID:25741868] with modifications

MGZ Medical Genetics Center
Classification: Pathogenic for Mucopolysaccharidosis, MPS-II. Last evaluated: 2022-02-17. Review status: criteria provided, single submitter. Criteria: ACMG Guidelines, 2015. Collection method: clinical testing. Allele origin: germline. Affected: yes. Observed: 1 variant allele.
Comment: ACMG criteria applied: PVS1, PM2_SUP, PP4

IIFP, CONICET-UNLP
Classification: Pathogenic for Mucopolysaccharidosis, MPS-II. Last evaluated: 2011-04-01. Review status: criteria provided, single submitter. Criteria: ACMG Guidelines, 2007. Collection method: research. Allele origin: maternal. Inheritance: X-linked inheritance. Affected: yes. Observed: 1 variant allele.

Literature cited by the submitters: PubMed 27896113 (cited by Laboratory of Diagnosis and Therapy of Lysosomal Disorders, University of Padova); PubMed 33676511 (cited by Laboratory of Diagnosis and Therapy of Lysosomal Disorders, University of Padova); DOI 10.1016/j.ymgmr.2014.08.006 (cited by IIFP, CONICET-UNLP).

NM_000202.8(IDS):c.908_909del (p.Ser303fs)

Genes: IDS (iduronate 2-sulfatase; minus strand), LOC106050102 (IDS recombination region; plus strand). Cytogenetic location: Xq28.
Variant type: Microsatellite.
Coding change: c.908_909del on transcript NM_000202.8 (MANE Select); coding-DNA positions 908 to 909, 2 bases deleted (CT; older notation c.908_909delCT).
Protein change: p.Ser303fs; shifts the reading frame from serine 303.
Molecular consequence: frameshift variant. On other transcripts: non-coding transcript variant (1).
Genome position (GRCh38, 1-based): chrX:149,490,411-149,490,412, AG deleted on the plus strand (CT on the coding strand, the reverse complement: IDS is on the minus strand); deleting any 2 consecutive bases within chrX:149,490,411-149,490,414 gives the same sequence; the c. name uses the placement nearest the transcript's 3' end. VCF-style (leftmost placement, unchanged base first): chrX-149490410-CAG-C. GRCh37 (hg19) VCF-style: chrX-148571941-CAG-C.
Other names: c.638_639del, p.Ser213fs (NM_001166550.4); c.908_909del, p.Ser303fs (NM_006123.5); short protein forms S213fs, S303fs.
Identifiers: ClinVar variation 221217 (VCV000221217.5), dbSNP rs193302913, ClinGen allele CA349638.
Genomic context (GRCh38, chrX:149,490,410, plus strand): 5'-CCAGCTGAAGATCGTCCAAAGCACTCAAGAGGCGGCCGACCTGTGTATCCAAATATGACA[CAG>C]AGGCAAAGTAGCTCTGGCGGATTTTCCGCTGCAAATTGAAAAAAAATAAAAATGAGAGTG-3'